The following is an entry in ClinVar:

ClinVar aggregate classification (germline): Uncertain significance. Review status: criteria provided, single submitter (1 of 4 stars). 2 submissions from 2 submitters: Uncertain significance (1). 1 of the submissions does not count toward it. Last evaluated 2025-01-21.

Conditions:
Charcot-Marie-Tooth Neuropathy X. Identifiers: MedGen CN118851.
Charcot-Marie-Tooth disease. Also called: Charcot-Marie-Tooth Hereditary Neuropathy; Charcot-Marie-Tooth Neuropathy. Identifiers: Orphanet 166, MedGen C0007959, MONDO:0015626.

Submissions (2):

Labcorp Genetics (formerly Invitae), Labcorp
Classification: Uncertain significance for Charcot-Marie-Tooth Neuropathy X. Last evaluated: 2025-01-21. Review status: criteria provided, single submitter. Criteria: Invitae Variant Classification Sherloc (09022015). Collection method: clinical testing. Allele origin: germline.
Comment: This sequence change replaces valine, which is neutral and non-polar, with aspartic acid, which is acidic and polar, at codon 152 of the GJB1 protein (p.Val152Asp). This variant is not present in population databases (gnomAD no frequency). This missense change has been observed in individual(s) with Charcot-Marie-Tooth disease (PMID: 12715686, 14960772). ClinVar contains an entry for this variant (Variation ID: 637181). Invitae Evidence Modeling of protein sequence and biophysical properties (such as structural, functional, and spatial information, amino acid conservation, physicochemical variation, residue mobility, and thermodynamic stability) has been performed for this missense variant. However, the output from this modeling did not meet the statistical confidence thresholds required to predict the impact of this variant on GJB1 protein function. In summary, the available evidence is currently insufficient to determine the role of this variant in disease. Therefore, it has been classified as a Variant of Uncertain Significance.

Inherited Neuropathy Consortium
Classification: Uncertain significance for Charcot-Marie-Tooth disease. Review status: no assertion criteria provided. Collection method: literature only. Allele origin: germline. Affected: yes. Not counted in ClinVar's aggregate classification.

Literature cited by the submitters: PubMed 12715686 (cited by Labcorp Genetics (formerly Invitae), Labcorp); PubMed 14960772 (cited by Labcorp Genetics (formerly Invitae), Labcorp and Inherited Neuropathy Consortium).

NM_000166.6(GJB1):c.455T>A (p.Val152Asp)

Gene: GJB1 (gap junction protein beta 1; plus strand). Cytogenetic location: Xq13.1.
Variant type: single nucleotide variant.
Coding change: c.455T>A on transcript NM_000166.6 (MANE Select); coding-DNA position 455, T replaced by A.
Protein change: p.Val152Asp; replaces valine 152 with aspartic acid.
Molecular consequence: missense variant.
Genome position (GRCh38, 1-based): chrX:71,224,162, T>A. VCF-style: chrX-71224162-T-A. GRCh37 (hg19) VCF-style: chrX-70444012-T-A.
Other names: c.455T>A, p.Val152Asp (NM_001097642.3); short protein forms V152D.
Identifiers: ClinVar variation 637181 (VCV000637181.3), dbSNP rs1602349388, ClinGen allele CA413502552.